The following is an entry in ClinVar:

ClinVar aggregate classification (germline): Uncertain significance (1 of 4 stars; one submission).

Conditions:
Hereditary cancer-predisposing syndrome. Also called: Neoplastic Syndromes, Hereditary; Tumor predisposition; Hereditary neoplastic syndrome; Hereditary Cancer Syndrome. Identifiers: Orphanet 140162, MedGen C0027672, MeSH D009386, MONDO:0015356.

Submission:

Ambry Genetics
Classification: Uncertain significance for Hereditary cancer-predisposing syndrome. Last evaluated: 2025-03-31. Review status: criteria provided, single submitter. Criteria: Ambry Variant Classification Scheme 2023. Collection method: clinical testing. Allele origin: germline.
Comment: The p.M370L variant (also known as c.1108A>C), located in coding exon 9 of the MITF gene, results from an A to C substitution at nucleotide position 1108. The methionine at codon 370 is replaced by leucine, an amino acid with highly similar properties. This amino acid position is conserved. In addition, this alteration is predicted to be tolerated by in silico analysis. Based on the available evidence, the clinical significance of this variant remains unclear.

NM_001354604.2(MITF):c.1429A>C (p.Met477Leu)

Gene: MITF (melanocyte inducing transcription factor; plus strand). Cytogenetic location: 3p13.
Variant type: single nucleotide variant.
Coding change: c.1429A>C on transcript NM_001354604.2 (MANE Select); coding-DNA position 1429, A replaced by C.
Protein change: p.Met477Leu; replaces methionine 477 with leucine.
Molecular consequence: missense variant.
Genome position (GRCh38, 1-based): chr3:69,965,096, A>C. VCF-style: chr3-69965096-A-C. GRCh37 (hg19) VCF-style: chr3-70014247-A-C.
Other names: c.1411A>C, p.Met471Leu (NM_198159.3); c.1363A>C, p.Met455Leu (NM_198177.3); c.922A>C, p.Met308Leu (NM_198178.3); c.1108A>C, p.Met370Leu (NM_000248.4); c.1255A>C, p.Met419Leu (NM_001184967.2, NM_001354608.2); c.1426A>C, p.Met476Leu (NM_001354605.2); c.1408A>C, p.Met470Leu (NM_001354606.2, NM_006722.3); c.1360A>C, p.Met454Leu (NM_001354607.2); and 1 more; short protein forms M455L, M308L, M419L, M454L, M470L, M471L, M364L, M370L.
Identifiers: ClinVar variation 4055178 (VCV004055178.1).